The following is an entry in ClinVar:

NM_138425.4(C12orf57):c.229+2_229+20del

Gene: C12orf57 (chromosome 12 open reading frame 57; plus strand). Cytogenetic location: 12p13.31.
Variant type: Deletion.
Coding change: c.229+2_229+20del on transcript NM_138425.4 (MANE Select); the canonical splice donor site of the intron after coding-DNA position 229 through 20 bases into the intron after coding-DNA position 229, 19 bases deleted (TGGGTCAGACGCGGGAAGG).
Molecular consequence: splice donor variant. On other transcripts: intron variant (1).
Genome position (GRCh38, 1-based): chr12:6,944,654-6,944,672, TGGGTCAGACGCGGGAAGG deleted; deleting any 19 consecutive bases within chr12:6,944,647-6,944,672 gives the same sequence; the c. name uses the placement nearest the transcript's 3' end. VCF-style (leftmost placement, unchanged base first): chr12-6944646-GGGGAAGGTGGGTCAGACGC-G. GRCh37 (hg19) VCF-style: chr12-7053809-GGGGAAGGTGGGTCAGACGC-G.
Other names: NC_000012.11:g.7053817_7053835del; c.190+2_190+20del (NM_001301836.2); c.229+2_229+20del (NM_001301834.1); c.124+2_124+20del (NM_001301838.2); c.142+89_142+107del (NM_001301837.2).
Identifiers: ClinVar variation 1681833 (VCV001681833.9), dbSNP rs1565575071, ClinGen allele CA603486749.

ClinVar aggregate classification (germline): Uncertain significance (1 of 4 stars; one submission).

Conditions:
Temtamy syndrome (TEMTYS). Also called: MENTAL RETARDATION WITH OR WITHOUT CRANIOFACIAL DYSMORPHISM, OCULAR COLOBOMA, OR ABNORMAL CORPUS CALLOSUM. Identifiers: Orphanet 1777, MedGen C1857512, MONDO:0009033, OMIM 218340.

Submissions (2):

Labcorp Genetics (formerly Invitae), Labcorp
Classification: Uncertain significance for Temtamy syndrome. Last evaluated: 2022-07-05. Review status: criteria provided, single submitter. Criteria: Invitae Variant Classification Sherloc (09022015). Collection method: clinical testing. Allele origin: germline.
Comment: In summary, the available evidence is currently insufficient to determine the role of this variant in disease. Therefore, it has been classified as a Variant of Uncertain Significance. Variants that disrupt the consensus splice site are a relatively common cause of aberrant splicing (PMID: 17576681, 9536098). Algorithms developed to predict the effect of sequence changes on RNA splicing suggest that this variant may disrupt the consensus splice site. ClinVar contains an entry for this variant (Variation ID: 1681833). This variant has not been reported in the literature in individuals affected with C12orf57-related conditions. This variant is present in population databases (no rsID available, gnomAD 0.003%). This sequence change affects a splice site in intron 2 of the C12orf57 gene. While this variant is not anticipated to result in nonsense mediated decay, it likely alters RNA splicing and results in a disrupted protein product.

Dr. Peter K. Rogan Lab, Western University
No classification provided (evidence only). Condition: Malignant tumor of urinary bladder. Review status: no classification provided. Collection method: in vitro. Allele origin: not applicable. Functional consequence: skipped exon. Not counted in ClinVar's aggregate classification.

Literature cited by the submitters: PubMed 17576681 (cited by Labcorp Genetics (formerly Invitae), Labcorp); PubMed 9536098 (cited by Labcorp Genetics (formerly Invitae), Labcorp).